The following is an entry in ClinVar:

NM_012203.2(GRHPR):c.603dup (p.Thr202fs)

Gene: GRHPR (glyoxylate and hydroxypyruvate reductase; plus strand). Cytogenetic location: 9p13.2.
Variant type: Duplication.
Coding change: c.603dup on transcript NM_012203.2 (MANE Select); coding-DNA position 603, one base duplicated (T; older notation c.603dupT).
Protein change: p.Thr202fs; shifts the reading frame from threonine 202.
Molecular consequence: frameshift variant.
Genome position (GRCh38, 1-based): chr9:37,430,515, T duplicated. VCF-style (leftmost placement, unchanged base first): chr9-37430514-C-CT. GRCh37 (hg19) VCF-style: chr9-37430511-C-CT.
Other names: c.603dup (NM_012203.1); c.603dupT (NM_012203.1); short protein forms T202fs.
Identifiers: ClinVar variation 2445702 (VCV002445702.3), dbSNP rs2489244935, ClinGen allele CA2580080560.

ClinVar aggregate classification (germline): Likely pathogenic. Review status: criteria provided, multiple submitters, no conflicts (2 of 4 stars). 2 submissions from 2 submitters: Likely pathogenic (2). Last evaluated 2025-03-10.

Conditions:
Primary hyperoxaluria, type II (HP2). Also called: OXALOSIS II; Primary hyperoxaluria type 2; D-GLYCERATE DEHYDROGENASE DEFICIENCY; GLYCERIC ACIDURIA; GLYOXYLATE REDUCTASE/HYDROXYPYRUVATE REDUCTASE DEFICIENCY. Identifiers: Orphanet 416, Orphanet 93599, MedGen C0268165, MONDO:0009824, OMIM 260000. Disease mechanism: loss of function.

Submissions (2):

Natera, Inc.
Classification: Likely pathogenic for Primary hyperoxaluria type II. Last evaluated: 2025-03-10. Review status: criteria provided, single submitter. Criteria: Natera Variant Classification Schema (03/2026). Collection method: clinical testing. Allele origin: germline.
Comment: The c.603dup variant in GRHPR is a frameshift variant predicted to shift the reading frame beginning at codon 202 and leads to a stop codon 3 codons downstream. This variant is expected to result in nonsense mediated decay, truncation, or a dysfunctional protein product. This variant is rare in the general population with a frequency below the threshold expected for the associated phenotype(s). Given the available evidence, this variant is classified as Likely Pathogenic.

Women's Health and Genetics/Laboratory Corporation of America, LabCorp
Classification: Likely pathogenic for Primary hyperoxaluria, type II. Last evaluated: 2023-02-28. Review status: criteria provided, single submitter. Criteria: LabCorp Variant Classification Summary - May 2015. Collection method: clinical testing. Allele origin: germline.
Comment: Variant summary: GRHPR c.603dupT (p.Thr202TyrfsX3) results in a premature termination codon, predicted to cause a truncation of the encoded protein or absence of the protein due to nonsense mediated decay, which are commonly known mechanisms for disease. Truncations downstream of this position have been classified as pathogenic by our laboratory. The variant was absent in 251272 control chromosomes (gnomAD). To our knowledge, no occurrence of c.603dupT in individuals affected with Primary Hyperoxaluria Type 2 and no experimental evidence demonstrating its impact on protein function have been reported. No clinical diagnostic laboratories have submitted clinical-significance assessments for this variant to ClinVar after 2014. Based on the evidence outlined above, the variant was classified as likely pathogenic.